The following is an entry in ClinVar:

NM_000138.5(FBN1):c.4612A>G (p.Ile1538Val)

Gene: FBN1 (fibrillin 1; minus strand). Cytogenetic location: 15q21.1.
Variant type: single nucleotide variant.
Coding change: c.4612A>G on transcript NM_000138.5 (MANE Select); coding-DNA position 4612, A replaced by G.
Protein change: p.Ile1538Val; replaces isoleucine 1538 with valine.
Molecular consequence: missense variant.
Genome position (GRCh38, 1-based): chr15:48,468,073, T>C on the plus strand (A>G on the coding strand, the complement: FBN1 is on the minus strand). VCF-style: chr15-48468073-T-C. GRCh37 (hg19) VCF-style: chr15-48760270-T-C.
Other names: c.4612A>G (NM_000138.4); short protein forms I1538V.
Identifiers: ClinVar variation 993900 (VCV000993900.12), dbSNP rs2043337939, ClinGen allele CA392353125.

ClinVar aggregate classification (germline): Uncertain significance. Review status: criteria provided, multiple submitters, no conflicts (2 of 4 stars). 4 submissions from 4 submitters: Uncertain significance (4). Last evaluated 2024-09-21.

Conditions:
Marfan syndrome (MFS). Also called: FBN1-Related Marfan Syndrome; MARFAN SYNDROME, TYPE I; Marfan syndrome type 1; Marfan's syndrome; Marfan syndrome, classic. Identifiers: Orphanet 284963, Orphanet 558, MedGen C0024796, MONDO:0007947, OMIM 154700.
Familial thoracic aortic aneurysm and aortic dissection (TAAD). Also called: Thoracic aortic aneurysms and dissections. Identifiers: Orphanet 91387, MedGen C4707243, MONDO:0019625.

Allele frequency attached by ClinVar (database versions not stated): gnomAD exomes below 0.00001.
gnomAD v4.1: 3 of 1,614,156 alleles (0.00019%); highest among the groups gnomAD compares: Non-Finnish European, 0.00025%; no homozygotes.

Submissions (4):

Labcorp Genetics (formerly Invitae), Labcorp
Classification: Uncertain significance for Marfan syndrome; Familial thoracic aortic aneurysm and aortic dissection. Last evaluated: 2024-09-21. Review status: criteria provided, single submitter. Criteria: Invitae Variant Classification Sherloc (09022015). Collection method: clinical testing. Allele origin: germline.
Comment: This sequence change replaces isoleucine, which is neutral and non-polar, with valine, which is neutral and non-polar, at codon 1538 of the FBN1 protein (p.Ile1538Val). This variant is not present in population databases (gnomAD no frequency). This variant has not been reported in the literature in individuals affected with FBN1-related conditions. ClinVar contains an entry for this variant (Variation ID: 993900). Invitae Evidence Modeling of protein sequence and biophysical properties (such as structural, functional, and spatial information, amino acid conservation, physicochemical variation, residue mobility, and thermodynamic stability) indicates that this missense variant is not expected to disrupt FBN1 protein function with a negative predictive value of 95%. In summary, the available evidence is currently insufficient to determine the role of this variant in disease. Therefore, it has been classified as a Variant of Uncertain Significance.

All of Us Research Program, National Institutes of Health
Classification: Uncertain significance for Marfan syndrome. Last evaluated: 2023-08-15. Review status: criteria provided, single submitter. Criteria: ACMG Guidelines, 2015. Collection method: clinical testing. Allele origin: germline. Inheritance: Autosomal dominant inheritance. Observed: 2 variant alleles, 2 heterozygotes.
Comment: This missense variant replaces isoleucine with valine at codon 1538 of the FBN1 protein. Computational prediction suggests that this variant may not impact protein structure and function (internally defined REVEL score threshold <= 0.5, PMID: 27666373). To our knowledge, functional studies have not been reported for this variant. This variant has not been reported in individuals affected with cardiovascular disorders in the literature. This variant has not been identified in the general population by the Genome Aggregation Database (gnomAD). The available evidence is insufficient to determine the role of this variant in disease conclusively. Therefore, this variant is classified as a Variant of Uncertain Significance.

This study involves interpretation of variants in research participants for the purpose of population health screening. Participant phenotype was not available at the time of variant classification. Additional details can be found in publication PMID: 35346344, PMCID: PMC8962531

CHEO Genetics Diagnostic Laboratory, Children's Hospital of Eastern Ontario
Classification: Uncertain significance for Familial thoracic aortic aneurysm and aortic dissection. Last evaluated: 2023-03-16. Review status: criteria provided, single submitter. Criteria: ACMG Guidelines, 2015. Collection method: clinical testing. Allele origin: germline.

ARUP Laboratories, Molecular Genetics and Genomics, ARUP Laboratories
Classification: Uncertain significance. Last evaluated: 2020-05-29. Review status: criteria provided, single submitter. Criteria: ARUP Molecular Germline Variant Investigation Process. Collection method: clinical testing. Allele origin: germline.
Comment: The FBN1 c.4612A>G; p.Ile1538Val variant, to our knowledge, is not reported in the medical literature or gene specific databases. This variant is also absent from general population databases (Exome Variant Server, Genome Aggregation Database), indicating it is not a common polymorphism. The isoleucine at codon 1538 is weakly conserved, and computational analyses (SIFT, PolyPhen-2) predict that this variant is tolerated. Due to limited information, the clinical significance of the p.Ile1538Val variant is uncertain at this time.